The following is an entry in ClinVar:

ClinVar aggregate classification (germline): Pathogenic (1 of 4 stars; one submission).

Submission:

Labcorp Genetics (formerly Invitae), Labcorp
Classification: Pathogenic. Last evaluated: 2023-04-26. Review status: criteria provided, single submitter. Criteria: Invitae Variant Classification Sherloc (09022015). Collection method: clinical testing. Allele origin: germline.
Comment: For these reasons, this variant has been classified as Pathogenic. This variant is not present in population databases (gnomAD no frequency). This variant has not been reported in the literature in individuals affected with PCDH15-related conditions. This variant disrupts a region of the PCDH15 protein in which other variant(s) (p,Glu1576*) have been determined to be pathogenic (PMID: 28281779). This suggests that this is a clinically significant region of the protein, and that variants that disrupt it are likely to be disease-causing. This sequence change creates a premature translational stop signal (p.Phe1485Thrfs*12) in the PCDH15 gene. While this is not anticipated to result in nonsense mediated decay, it is expected to disrupt the last 471 amino acid(s) of the PCDH15 protein.

Literature cited by the submitters: PubMed 28281779.

NM_033056.4(PCDH15):c.4437_4452dup (p.Phe1485fs)

Gene: PCDH15 (protocadherin related 15; minus strand). Cytogenetic location: 10q21.1.
Variant type: Duplication.
Coding change: c.4437_4452dup on transcript NM_033056.4 (MANE Plus Clinical); coding-DNA positions 4437 to 4452, 16 bases duplicated (ACAAGTTGTGATGCCC).
Protein change: p.Phe1485fs; shifts the reading frame from phenylalanine 1485.
Molecular consequence: frameshift variant. On other transcripts: intron variant (8).
Genome position (GRCh38, 1-based): chr10:53,823,274-53,823,289, GGGCATCACAACTTGT duplicated on the plus strand (ACAAGTTGTGATGCCC on the coding strand, the reverse complement: PCDH15 is on the minus strand). VCF-style (leftmost placement, unchanged base first): chr10-53823273-A-AGGGCATCACAACTTGT. GRCh37 (hg19) VCF-style: chr10-55583033-A-AGGGCATCACAACTTGT.
Other names: c.4458_4473dup, p.Phe1492fs (NM_001142763.2); c.4443_4458dup, p.Phe1487fs (NM_001142764.2); c.4230_4245dup, p.Phe1416fs (NM_001142765.2); c.4428_4443dup, p.Phe1482fs (NM_001142766.2); c.4317_4332dup, p.Phe1445fs (NM_001142767.2); c.4377_4392dup, p.Phe1465fs (NM_001142768.2); c.4368_4383dup, p.Phe1462fs (NM_001142773.2); c.4371_4386dup, p.Phe1463fs (NM_001354404.2); and 6 more; short protein forms F1485fs, F1416fs, F1465fs, F1487fs, F1492fs, F1445fs, F1462fs, F1463fs.
Identifiers: ClinVar variation 2859328 (VCV002859328.3), dbSNP rs2492414569, ClinGen allele CA2739265386.
Genomic context (GRCh38, chr10:53,823,273, plus strand): 5'-TGCTCTTAAGTGATCCGTCTACATGAGCTGACTTGTGAGCCTCAATAGTATTGGAAGAAA[A>AGGGCATCACAACTTGT]GGGCATCACAACTTGTTGATGTTTCCTGTCTTCTGAGACTGAGTTATTTCCCCTGCTTTG-3'